The following is an entry in ClinVar:

ClinVar aggregate classification (germline): Uncertain significance (1 of 4 stars; one submission).

Submission:

GeneDx
Classification: Uncertain significance. Last evaluated: 2025-06-04. Review status: criteria provided, single submitter. Criteria: GeneDx Variant Classification Process June 2021. Collection method: clinical testing. Allele origin: germline. Affected: yes.
Comment: Not observed at significant frequency in large population cohorts (gnomAD); In silico analysis suggests that this missense variant does not alter protein structure/function; Has not been previously published as pathogenic or benign to our knowledge

NM_152641.4(ARID2):c.5252T>G (p.Leu1751Arg)

Gene: ARID2 (AT-rich interaction domain 2; plus strand). Cytogenetic location: 12q12.
Variant type: single nucleotide variant.
Coding change: c.5252T>G on transcript NM_152641.4 (MANE Select); coding-DNA position 5252, T replaced by G.
Protein change: p.Leu1751Arg; replaces leucine 1751 with arginine.
Molecular consequence: missense variant.
Genome position (GRCh38, 1-based): chr12:45,893,524, T>G. VCF-style: chr12-45893524-T-G. GRCh37 (hg19) VCF-style: chr12-46287307-T-G.
Other names: c.5252T>G, p.Leu1751Arg (NM_001347839.2); short protein forms L1751R.
Identifiers: ClinVar variation 4536604 (VCV004536604.1).